The following is an entry in ClinVar:

NM_016366.3(CABP2):c.-31G>A

Gene: CABP2 (calcium binding protein 2; minus strand). Cytogenetic location: 11q13.2.
Variant type: single nucleotide variant.
Coding change: c.-31G>A on transcript NM_016366.3 (MANE Select); 31 bases upstream of the start codon, G replaced by A.
Molecular consequence: 5 prime UTR variant.
Genome position (GRCh38, 1-based): chr11:67,523,357, C>T on the plus strand (G>A on the coding strand, the complement: CABP2 is on the minus strand). VCF-style: chr11-67523357-C-T. GRCh37 (hg19) VCF-style: chr11-67290828-C-T.
Other names: c.-17G>A (NM_001318496.2).
Identifiers: ClinVar variation 513290 (VCV000513290.1), dbSNP rs766307112, ClinGen allele CA6142610.
Genomic context (GRCh38, chr11:67,523,357, plus strand): 5'-GCGCCAGGGCCGCTTGGCACAGTTCCCCATGGGCCCTGAACCATGCCAGGCCTGGAACCC[C>T]GGGGGTGGCCCGGGTGGGCCTCGGCGGATGCTGCTGCCTGAGGACTCCTGCCAGCCCCCA-3'

ClinVar aggregate classification (germline): Likely benign (1 of 4 stars; one submission).

Allele frequency attached by ClinVar (database versions not stated): TOPMed 0.00002; gnomAD exomes 0.00004; ExAC 0.00006; gnomAD 0.00006.

Submission:

GeneDx
Classification: Likely benign. Last evaluated: 2017-11-09. Review status: criteria provided, single submitter. Criteria: GeneDx Variant Classification (06012015). Collection method: clinical testing. Allele origin: germline. Affected: yes.
Comment: This variant is considered likely benign or benign based on one or more of the following criteria: it is a conservative change, it occurs at a poorly conserved position in the protein, it is predicted to be benign by multiple in silico algorithms, and/or has population frequency not consistent with disease.